The following is an entry in ClinVar:

ClinVar aggregate classification (germline): Uncertain significance (1 of 4 stars; one submission).

Conditions:
Hereditary pancreatitis (PCTT). Also called: Hereditary chronic pancreatitis; PRSS1-Related Hereditary Pancreatitis. Identifiers: Orphanet 676, MedGen C0238339, MONDO:0008185, OMIM 167800.

Submission:

Ambry Genetics
Classification: Uncertain significance for Hereditary pancreatitis. Last evaluated: 2022-12-24. Review status: criteria provided, single submitter. Criteria: Ambry Variant Classification Scheme 2023. Collection method: clinical testing. Allele origin: germline.
Comment: The p.V6A variant (also known as c.17T>C), located in coding exon 1 of the CPA1 gene, results from a T to C substitution at nucleotide position 17. The valine at codon 6 is replaced by alanine, an amino acid with similar properties. This amino acid position is conserved. In addition, this alteration is predicted to be tolerated by in silico analysis. Since supporting evidence is limited at this time, the clinical significance of this alteration remains unclear.

NM_001868.4(CPA1):c.17T>C (p.Val6Ala)

Gene: CPA1 (carboxypeptidase A1; plus strand). Cytogenetic location: 7q32.2.
Variant type: single nucleotide variant.
Coding change: c.17T>C on transcript NM_001868.4 (MANE Select); coding-DNA position 17, T replaced by C.
Protein change: p.Val6Ala; replaces valine 6 with alanine.
Molecular consequence: missense variant.
Genome position (GRCh38, 1-based): chr7:130,380,537, T>C. VCF-style: chr7-130380537-T-C. GRCh37 (hg19) VCF-style: chr7-130020378-T-C.
Other names: short protein forms V6A.
Identifiers: ClinVar variation 2448264 (VCV002448264.2), dbSNP rs2536002855, ClinGen allele CA369278884.